The following is an entry in ClinVar:

NM_002049.4(GATA1):c.373G>A (p.Asp125Asn)

Gene: GATA1 (GATA binding protein 1; plus strand). Cytogenetic location: Xp11.23.
Variant type: single nucleotide variant.
Coding change: c.373G>A on transcript NM_002049.4 (MANE Select); coding-DNA position 373, G replaced by A.
Protein change: p.Asp125Asn; replaces aspartic acid 125 with asparagine.
Molecular consequence: missense variant.
Genome position (GRCh38, 1-based): chrX:48,791,996, G>A. VCF-style: chrX-48791996-G-A. GRCh37 (hg19) VCF-style: chrX-48650403-G-A.
Other names: p.Asp125Asn; short protein forms D125N.
Identifiers: ClinVar variation 1365332 (VCV001365332.6), dbSNP rs782411113, ClinGen allele CA10404600.
Genomic context (GRCh38, chrX:48,791,996, plus strand): 5'-CCTGCCTCAACTGTGTGTCCCACCCGCGAGGACTCTCCTCCCCAGGCCGTGGAAGATCTG[G>A]ATGGAAAAGGCAGCACCAGCTTCCTGGAGACTTTGAAGACAGAGCGGCTGAGCCCAGACC-3'
Protein context (NP_002040.1, residues 115-135): DSPPQAVEDL[Asp125Asn]GKGSTSFLET

ClinVar aggregate classification (germline): Uncertain significance. Review status: criteria provided, multiple submitters, no conflicts (2 of 4 stars). 2 submissions from 2 submitters: Uncertain significance (2). Last evaluated 2026-01-27.

Conditions:
Diamond-Blackfan anemia. Also called: Blackfan Diamond syndrome; Aregenerative anemia chronic congenital; Red cell aplasia, pure hereditary; Congenital hypoplastic anemia; Aase syndrome. Identifiers: Orphanet 124, MedGen C1260899, MeSH D029503, MONDO:0015253, HP:0004810.
GATA binding protein 1 related thrombocytopenia with dyserythropoiesis. Also called: GATA1-Related Cytopenia; GATA1-Related X-Linked Cytopenia. Identifiers: MedGen C1845837, MONDO:0100089.

Allele frequency attached by ClinVar (database versions not stated): gnomAD exomes 0.00001; gnomAD 0.00001; TOPMed below 0.00001; ExAC 0.00001.
gnomAD v4.1: 33 of 1,210,143 alleles (0.0027%); highest among the groups gnomAD compares: Non-Finnish European, 0.0037%; no homozygotes.

Submissions (2):

Labcorp Genetics (formerly Invitae), Labcorp
Classification: Uncertain significance for GATA binding protein 1 related thrombocytopenia with dyserythropoiesis; Diamond-Blackfan anemia. Last evaluated: 2026-01-27. Review status: criteria provided, single submitter. Criteria: Invitae Variant Classification Sherloc (09022015). Collection method: clinical testing. Allele origin: germline.
Comment: This sequence change replaces aspartic acid, which is acidic and polar, with asparagine, which is neutral and polar, at codon 125 of the GATA1 protein (p.Asp125Asn). This variant is present in population databases (rs782411113, gnomAD 0.002%). This variant has not been reported in the literature in individuals affected with GATA1-related conditions. ClinVar contains an entry for this variant (Variation ID: 1365332). Invitae Evidence Modeling of protein sequence and biophysical properties (such as structural, functional, and spatial information, amino acid conservation, physicochemical variation, residue mobility, and thermodynamic stability) indicates that this missense variant is not expected to disrupt GATA1 protein function with a negative predictive value of 95%. In summary, the available evidence is currently insufficient to determine the role of this variant in disease. Therefore, it has been classified as a Variant of Uncertain Significance.

Mayo Clinic Laboratories, Mayo Clinic
Classification: Uncertain significance. Last evaluated: 2025-03-26. Review status: criteria provided, single submitter. Criteria: ACMG Guidelines, 2015. Collection method: clinical testing. Allele origin: germline. Observed: 1 variant allele.
Comment: BP4, PM2_supporting